The following is an entry in ClinVar:

ClinVar aggregate classification (germline): Benign (1 of 4 stars; one submission).

Conditions:
Leigh syndrome (NULS). Also called: Leigh's necrotizing encephalopathy; Leigh's disease; Leigh's syndrome; LEIGH SYNDROME, NUCLEAR; Leigh Syndrome (mtDNA deletion); Leigh Disease. Identifiers: Orphanet 506, MedGen C2931891, MONDO:0009723, OMIM 256000.

Submission:

Wong Mito Lab, Molecular and Human Genetics, Baylor College of Medicine
Classification: Benign for Leigh syndrome. Last evaluated: 2019-10-17. Review status: criteria provided, single submitter. Criteria: Modified ACMG Guidelines (Unpublished). Collection method: clinical testing. Allele origin: germline.
Comment: The NC_012920.1:m.15725C>T (YP_003024038.1:p.Leu327Phe) variant in MTCYB gene is interpretated to be a Benign variant based on the modified ACMG guidelines (unpublished). This variant meets the following evidence codes: BS1, BS4, BP4

NC_012920.1(MT-CYB):m.15725C>T

Gene: MT-CYB (mitochondrially encoded cytochrome b; plus strand).
Variant type: single nucleotide variant.
Genome position: chrM-15725-C-T.
Identifiers: ClinVar variation 693937 (VCV000693937.1), dbSNP rs1603225438, ClinGen allele CA913174669.